The following is an entry in ClinVar:

ClinVar aggregate classification (germline): Conflicting classifications of pathogenicity. Review status: criteria provided, conflicting classifications (1 of 4 stars). 3 submissions from 3 submitters: Uncertain significance (1); Likely benign (1). 1 of the submissions does not count toward it. Last evaluated 2025-12-20.

Conditions:
DDR2-related disorder. Also called: DDR2-related condition.

Allele frequency attached by ClinVar (database versions not stated): TOPMed 0.00002; 1000 Genomes Project 0.00040; 1000 Genomes Project 30x 0.00062.
gnomAD v4.1: 236 of 1,614,150 alleles (0.015%); highest among the groups gnomAD compares: South Asian, 0.2%; 2 homozygotes.

Submissions (3):

Labcorp Genetics (formerly Invitae), Labcorp
Classification: Likely benign. Last evaluated: 2025-12-20. Review status: criteria provided, single submitter. Criteria: Invitae Variant Classification Sherloc (09022015). Collection method: clinical testing. Allele origin: germline.

Blueprint Genetics
Classification: Uncertain significance. Last evaluated: 2024-02-08. Review status: criteria provided, single submitter. Criteria: ACMG Guidelines, 2015. Collection method: clinical testing. Allele origin: germline.

PreventionGenetics, part of Exact Sciences
Classification: Likely benign for DDR2-related condition. Last evaluated: 2023-05-16. Review status: no assertion criteria provided. Collection method: clinical testing. Allele origin: germline. Not counted in ClinVar's aggregate classification.
Comment: This variant is classified as likely benign based on ACMG/AMP sequence variant interpretation guidelines (Richards et al. 2015 PMID: 25741868, with internal and published modifications).

NM_006182.4(DDR2):c.243T>A (p.Asp81Glu)

Gene: DDR2 (discoidin domain receptor tyrosine kinase 2; plus strand). Cytogenetic location: 1q23.3.
Variant type: single nucleotide variant.
Coding change: c.243T>A on transcript NM_006182.4 (MANE Select); coding-DNA position 243, T replaced by A.
Protein change: p.Asp81Glu; replaces aspartic acid 81 with glutamic acid.
Molecular consequence: missense variant.
Genome position (GRCh38, 1-based): chr1:162,754,681, T>A. VCF-style: chr1-162754681-T-A. GRCh37 (hg19) VCF-style: chr1-162724471-T-A.
Other names: c.243T>A, p.Asp81Glu (NM_001014796.3, NM_001354982.2, NM_001354983.2); short protein forms D81E.
Identifiers: ClinVar variation 727108 (VCV000727108.15), dbSNP rs138537887, ClinGen allele CA1217203.
Genomic context (GRCh38, chr1:162,754,681, plus strand): 5'-AAGGCTGGACTCAGAAGAAGGGGATGGAGCCTGGTGCCCTGAGATTCCAGTGGAACCTGA[T>A]GACCTGAAGGAGTTTCTGCAGATTGACTTGCACACCCTCCATTTTATCACTCTGGTGGGG-3'
Protein context (NP_006173.2, residues 71-91): AWCPEIPVEP[Asp81Glu]DLKEFLQIDL